The following is an entry in ClinVar:

NM_024685.4(BBS10):c.9_14del (p.Ser3_Met5delinsArg)

Gene: BBS10 (Bardet-Biedl syndrome 10; minus strand). Cytogenetic location: 12q21.2.
Variant type: Deletion.
Coding change: c.9_14del on transcript NM_024685.4 (MANE Select); coding-DNA positions 9 to 14, 6 bases deleted (TTCTAT; older notation c.9_14delTTCTAT).
Protein change: p.Ser3_Met5delinsArg.
Molecular consequence: inframe indel.
Genome position (GRCh38, 1-based): chr12:76,348,345-76,348,350, ATAGAA deleted on the plus strand (TTCTAT on the coding strand, the reverse complement: BBS10 is on the minus strand). VCF-style (leftmost placement, unchanged base first): chr12-76348344-CATAGAA-C. GRCh37 (hg19) VCF-style: chr12-76742124-CATAGAA-C.
Identifiers: ClinVar variation 986341 (VCV000986341.4), dbSNP rs750665609, ClinGen allele CA6694444.

ClinVar aggregate classification (germline): Conflicting classifications of pathogenicity. Review status: criteria provided, conflicting classifications (1 of 4 stars). 3 submissions from 3 submitters: Pathogenic (2); Uncertain significance (1). Last evaluated 2023-11-27.

Conditions:
Bardet-Biedl syndrome 10 (BBS10). Identifiers: Orphanet 110, MedGen C1859568, MONDO:0014438, OMIM 615987.
Bardet-Biedl syndrome (BBS). Identifiers: Orphanet 110, MedGen C0752166, MONDO:0015229.
BBS10-related disorder. Also called: BBS10-related condition.

Allele frequency attached by ClinVar (database versions not stated): ExAC below 0.00001; TOPMed 0.00001; gnomAD exomes 0.00003.

Submissions (3):

Labcorp Genetics (formerly Invitae), Labcorp
Classification: Uncertain significance for Bardet-Biedl syndrome. Last evaluated: 2023-11-27. Review status: criteria provided, single submitter. Criteria: Invitae Variant Classification Sherloc (09022015). Collection method: clinical testing. Allele origin: germline.
Comment: This variant, c.9_14del, is a complex sequence change that results in the deletion of 3 and insertion of 1 amino acid(s) in the BBS10 protein (p.Ser3_Met5delinsArg). This variant is not present in population databases (gnomAD no frequency). This variant has been observed in individual(s) with BBS-related conditions (PMID: 24746959). ClinVar contains an entry for this variant (Variation ID: 986341). In summary, the available evidence is currently insufficient to determine the role of this variant in disease. Therefore, it has been classified as a Variant of Uncertain Significance.

Blueprint Genetics
Classification: Pathogenic for BBS10-related disorders. Last evaluated: 2022-11-06. Review status: criteria provided, single submitter. Criteria: ACMG Guidelines, 2015. Collection method: clinical testing. Allele origin: germline. Affected: yes. Observed: 2 variant alleles.

Rady Children's Institute for Genomic Medicine, Rady Children's Hospital San Diego
Classification: Pathogenic for BARDET-BIEDL SYNDROME 10. Last evaluated: 2019-10-10. Review status: criteria provided, single submitter. Criteria: ACMG Guidelines, 2015. Collection method: clinical testing. Allele origin: germline. Affected: yes.
Comment: This frameshifting variant in exon 1 of 2 introduces a premature stop codon and is therefore predicted to result in loss of normal protein function. This variant has been previously reported as a compound heterozygous change in a patient with retinal disease, horseshoe kidney, and ureterocele (PMID: 27788217). It is absent from the ExAC and gnomAD population databases and thus is presumed to be rare. Based on the available evidence, the c.9_14delinsC (p.Ser4Glyfs90) variant is classified as Pathogenic.

Literature cited by the submitters: PubMed 24746959 (cited by Labcorp Genetics (formerly Invitae), Labcorp).